The following is an entry in ClinVar:

ClinVar aggregate classification (germline): Uncertain significance (1 of 4 stars; one submission).

Allele frequency attached by ClinVar (database versions not stated): ExAC 0.00005.
gnomAD v4.1: 53 of 1,613,848 alleles (0.0033%); highest among the groups gnomAD compares: East Asian, 0.033%; no homozygotes.

Submission:

Labcorp Genetics (formerly Invitae), Labcorp
Classification: Uncertain significance. Last evaluated: 2023-02-20. Review status: criteria provided, single submitter. Criteria: Invitae Variant Classification Sherloc (09022015). Collection method: clinical testing. Allele origin: germline.
Comment: This sequence change replaces asparagine, which is neutral and polar, with serine, which is neutral and polar, at codon 3713 of the HERC1 protein (p.Asn3713Ser). This variant is present in population databases (rs546394617, gnomAD 0.07%). In summary, the available evidence is currently insufficient to determine the role of this variant in disease. Therefore, it has been classified as a Variant of Uncertain Significance. Algorithms developed to predict the effect of missense changes on protein structure and function output the following: SIFT: "Not Available"; PolyPhen-2: "Benign"; Align-GVGD: "Not Available". The serine amino acid residue is found in multiple mammalian species, which suggests that this missense change does not adversely affect protein function. This variant has not been reported in the literature in individuals affected with HERC1-related conditions.

NM_003922.4(HERC1):c.11138A>G (p.Asn3713Ser)

Gene: HERC1 (HECT and RLD domain containing E3 ubiquitin protein ligase family member 1; minus strand). Cytogenetic location: 15q22.31.
Variant type: single nucleotide variant.
Coding change: c.11138A>G on transcript NM_003922.4 (MANE Select); coding-DNA position 11138, A replaced by G.
Protein change: p.Asn3713Ser; replaces asparagine 3713 with serine.
Molecular consequence: missense variant.
Genome position (GRCh38, 1-based): chr15:63,645,038, T>C on the plus strand (A>G on the coding strand, the complement: HERC1 is on the minus strand). VCF-style: chr15-63645038-T-C. GRCh37 (hg19) VCF-style: chr15-63937237-T-C.
Other names: short protein forms N3713S.
Identifiers: ClinVar variation 2973890 (VCV002973890.2), dbSNP rs546394617, ClinGen allele CA7604305.
Genomic context (GRCh38, chr15:63,645,038, plus strand): 5'-CACCAGAATGTTACCTGGCAATTTGATTCCTGCTCCCACCATCCTTCTGCACTAGTCACA[T>C]TGGTCTGTGTAGTATCTTGAGGAATGCGCCAAACACATACTAAGCCACTCTGACAGCCAC-3'
Protein context (NP_003913.3, residues 3703-3723): WRIPQDTTQT[Asn3713Ser]VTSAEGWWEQ